The following is an entry in ClinVar:

NM_001271.4(CHD2):c.4941C>T (p.Asn1647=)

Gene: CHD2 (chromodomain helicase DNA binding protein 2; plus strand). Cytogenetic location: 15q26.1.
Variant type: single nucleotide variant.
Coding change: c.4941C>T on transcript NM_001271.4 (MANE Select); coding-DNA position 4941, C replaced by T.
Protein change: p.Asn1647=; no amino-acid change (asparagine 1647 retained).
Molecular consequence: synonymous variant.
Genome position (GRCh38, 1-based): chr15:93,020,046, C>T. VCF-style: chr15-93020046-C-T. GRCh37 (hg19) VCF-style: chr15-93563276-C-T.
Identifiers: ClinVar variation 1153871 (VCV001153871.33), dbSNP rs1161487399, ClinGen allele CA492687849.

ClinVar aggregate classification (germline): Likely benign. Review status: criteria provided, multiple submitters, no conflicts (2 of 4 stars). 2 submissions from 2 submitters: Likely benign (2). Last evaluated 2025-06-18.

Conditions:
Developmental and epileptic encephalopathy 94 (DEE94). Also called: Epileptic encephalopathy, childhood-onset; CHD2-Related Neurodevelopmental Disorders. Identifiers: Orphanet 1942, Orphanet 2382, MedGen C3809278, MONDO:0014150, OMIM 615369.

Allele frequency attached by ClinVar (database versions not stated): gnomAD 0.00001 and 0.00002; gnomAD exomes 0.00002; TOPMed 0.00002.
gnomAD v4.1: 12 of 1,613,912 alleles (0.00074%); highest among the groups gnomAD compares: Admixed American, 0.0033%; no homozygotes.

Submissions (2):

Labcorp Genetics (formerly Invitae), Labcorp
Classification: Likely benign for Developmental and epileptic encephalopathy 94. Last evaluated: 2025-06-18. Review status: criteria provided, single submitter. Criteria: Invitae Variant Classification Sherloc (09022015). Collection method: clinical testing. Allele origin: germline.

CeGaT Center for Human Genetics Tuebingen
Classification: Likely benign. Last evaluated: 2022-04-01. Review status: criteria provided, single submitter. Criteria: CeGaT Center For Human Genetics Tuebingen Variant Classification Criteria Version 2. Collection method: clinical testing. Allele origin: germline. Affected: yes. Observed: 1 variant allele.
Comment: CHD2: BP4, BP7